The following is an entry in ClinVar:

NM_000642.3(AGL):c.1463G>C (p.Gly488Ala)

Gene: AGL (amylo-alpha-1,6-glucosidase and 4-alpha-glucanotransferase; plus strand). Cytogenetic location: 1p21.2.
Variant type: single nucleotide variant.
Coding change: c.1463G>C on transcript NM_000642.3 (MANE Select); coding-DNA position 1463, G replaced by C.
Protein change: p.Gly488Ala; replaces glycine 488 with alanine.
Molecular consequence: missense variant.
Genome position (GRCh38, 1-based): chr1:99,877,680, G>C. VCF-style: chr1-99877680-G-C. GRCh37 (hg19) VCF-style: chr1-100343236-G-C.
Other names: c.1415G>C, p.Gly472Ala (NM_000646.3); c.1463G>C, p.Gly488Ala (NM_001425325.1, NM_001425326.1, NM_000028.3 and 2 more transcripts); c.1262G>C, p.Gly421Ala (NM_001425327.1); c.1259G>C, p.Gly420Ala (NM_001425328.1, NM_001425329.1); c.1085G>C, p.Gly362Ala (NM_001425332.1); short protein forms G472A, G488A, G362A, G420A, G421A.
Identifiers: ClinVar variation 1929949 (VCV001929949.2), dbSNP rs2524620739, ClinGen allele CA341314564.

ClinVar aggregate classification (germline): Uncertain significance (1 of 4 stars; one submission).

Conditions:
Glycogen storage disease type III (GSD3). Also called: Cori disease; FORBES DISEASE. Identifiers: Orphanet 366, MedGen C0017922, MONDO:0009291, OMIM 232400.

Allele frequency attached by ClinVar (database versions not stated): gnomAD exomes below 0.00001.
gnomAD v4.1: 1 of 1,614,018 alleles (0.000062%); highest among the groups gnomAD compares: East Asian, 0.0022%; no homozygotes.

Submission:

Labcorp Genetics (formerly Invitae), Labcorp
Classification: Uncertain significance for Glycogen storage disease type III. Last evaluated: 2022-07-12. Review status: criteria provided, single submitter. Criteria: Invitae Variant Classification Sherloc (09022015). Collection method: clinical testing. Allele origin: germline.
Comment: This sequence change replaces glycine, which is neutral and non-polar, with alanine, which is neutral and non-polar, at codon 488 of the AGL protein (p.Gly488Ala). This variant is not present in population databases (gnomAD no frequency). This variant has not been reported in the literature in individuals affected with AGL-related conditions. Algorithms developed to predict the effect of missense changes on protein structure and function are either unavailable or do not agree on the potential impact of this missense change (SIFT: "Deleterious"; PolyPhen-2: "Probably Damaging"; Align-GVGD: "Class C0"). In summary, the available evidence is currently insufficient to determine the role of this variant in disease. Therefore, it has been classified as a Variant of Uncertain Significance.